The following is an entry in ClinVar:

NM_001368894.2(PAX6):c.192C>A (p.Asn64Lys)

Gene: PAX6 (paired box 6; minus strand). Cytogenetic location: 11p13.
Variant type: single nucleotide variant.
Coding change: c.192C>A on transcript NM_001368894.2 (MANE Select); coding-DNA position 192, C replaced by A.
Protein change: p.Asn64Lys; replaces asparagine 64 with lysine.
Molecular consequence: missense variant. On other transcripts: 5 prime UTR variant (14), non-coding transcript variant (2).
Genome position (GRCh38, 1-based): chr11:31,801,768, G>T on the plus strand (C>A on the coding strand, the complement: PAX6 is on the minus strand). VCF-style: chr11-31801768-G-T. GRCh37 (hg19) VCF-style: chr11-31823316-G-T.
Other names: c.150C>A, p.Asn50Lys (NM_001368888.2, NM_001368889.2, NM_001368890.2 and 11 more transcripts); c.192C>A, p.Asn64Lys (NM_001368892.2, NM_001368893.2, NM_001368912.2 and 13 more transcripts); c.-259C>A (NM_001368899.2, NM_001368900.2, NM_001368901.2 and 8 more transcripts); c.-590C>A (NM_001368902.2, NM_001368905.2, NM_001310160.2); c.393C>A, p.Asn131Lys (NM_001368910.2); c.195C>A, p.Asn65Lys (NM_001368911.2); c.267C>A, p.Asn89Lys (NM_001368918.2, NM_001368919.2); c.225C>A, p.Asn75Lys (NM_001368920.2); short protein forms N50K, N64K, N131K, N65K, N75K, N89K.
Identifiers: ClinVar variation 167417 (VCV000167417.7), dbSNP rs727504064, ClinGen allele CA234482.

ClinVar aggregate classification (germline): Conflicting classifications of pathogenicity. Review status: criteria provided, conflicting classifications (1 of 4 stars). 2 submissions from 2 submitters: Pathogenic (1); Uncertain significance (1). Last evaluated 2014-02-27.

Conditions:
Anophthalmia-microphthalmia syndrome. Also called: Anophthalmia - microphthalmia; Anophthalmia/Microphthalmia. Identifiers: Orphanet 98555, MedGen C5680330, MONDO:0020147.

Submissions (2):

Eurofins Ntd Llc (ga)
Classification: Uncertain significance. Last evaluated: 2014-02-27. Review status: criteria provided, single submitter. Criteria: EGL Classification Definitions 2015. Collection method: clinical testing. Allele origin: germline. Observed: 1 variant allele, 1 heterozygote.

Paul Sabatier University EA-4555, Paul Sabatier University
Classification: Pathogenic. Last evaluated: 2013-01-01. Review status: criteria provided, single submitter. Criteria: Chassaing et al. (Genome Res. 2016). Collection method: clinical testing. Allele origin: de novo. Inheritance: Autosomal dominant inheritance. Affected: yes. Observed: 1 heterozygote.
Comment: rare variant, predicted pathogenic in silico (Polyphen-2), de novo